The following is an entry in ClinVar:

NM_001282860.2(GON4L):c.6132C>T (p.Thr2044=)

Gene: GON4L (gon-4 like; minus strand). Cytogenetic location: 1q22.
Variant type: single nucleotide variant.
Coding change: c.6132C>T on transcript NM_001282860.2 (MANE Select); coding-DNA position 6132, C replaced by T.
Protein change: p.Thr2044=; no amino-acid change (threonine 2044 retained).
Molecular consequence: synonymous variant.
Genome position (GRCh38, 1-based): chr1:155,752,301, G>A on the plus strand (C>T on the coding strand, the complement: GON4L is on the minus strand). VCF-style: chr1-155752301-G-A. GRCh37 (hg19) VCF-style: chr1-155722092-G-A.
Other names: c.6132C>T, p.Thr2044= (NM_001282856.2); c.6129C>T, p.Thr2043= (NM_001282858.2).
Identifiers: ClinVar variation 3057304 (VCV003057304.2), dbSNP rs892180288, ClinGen allele CA30964358.
Genomic context (GRCh38, chr1:155,752,301, plus strand): 5'-TCTCCCTGCATCTCTGGTCTTTGAGGAAACAGGACTCAGGAAGGAAGCAGGGGGTTCCAC[G>A]GTACCAGGCAATTTCTCAGTTTCTGATGCATCCCAGACCAGCATCAAAGCCTCTGACTCA-3'
Protein context (NP_001269789.1, residues 2034-2054): DASETEKLPG[Thr2044=]VEPPASFLSP

ClinVar aggregate classification (germline): Likely benign (0 of 4 stars; one submission).

Conditions:
GON4L-related disorder. Also called: GON4L-related condition.

Allele frequency attached by ClinVar (database versions not stated): gnomAD exomes below 0.00001; gnomAD 0.00002; TOPMed 0.00002.
gnomAD v4.1: 9 of 1,584,058 alleles (0.00057%); highest among the groups gnomAD compares: South Asian, 0.0033%; no homozygotes.

Submission:

PreventionGenetics, part of Exact Sciences
Classification: Likely benign for GON4L-related condition. Last evaluated: 2021-09-08. Review status: no assertion criteria provided. Collection method: clinical testing. Allele origin: germline.
Comment: This variant is classified as likely benign based on ACMG/AMP sequence variant interpretation guidelines (Richards et al. 2015 PMID: 25741868, with internal and published modifications).